The following is an entry in ClinVar:

NM_000059.4(BRCA2):c.3168_3170del (p.Lys1058del)

Gene: BRCA2 (BRCA2 DNA repair associated; plus strand). Cytogenetic location: 13q13.1.
Variant type: Deletion.
Coding change: c.3168_3170del on transcript NM_000059.4 (MANE Select); coding-DNA positions 3168 to 3170, 3 bases deleted (AAA; older notation c.3168_3170delAAA).
Protein change: p.Lys1058del; deletes lysine 1058.
Molecular consequence: inframe deletion.
Genome position (GRCh38, 1-based): chr13:32,337,523-32,337,525, AAA deleted; deleting any 3 consecutive bases within chr13:32,337,522-32,337,525 gives the same sequence; the c. name uses the placement nearest the transcript's 3' end. VCF-style (leftmost placement, unchanged base first): chr13-32337521-CAAA-C. GRCh37 (hg19) VCF-style: chr13-32911658-CAAA-C.
Other names: short protein forms K1058del.
Identifiers: ClinVar variation 823035 (VCV000823035.13), dbSNP rs756083696, ClinGen allele CA6940672.

ClinVar aggregate classification (germline): Uncertain significance. Review status: criteria provided, multiple submitters, no conflicts (2 of 4 stars). 3 submissions from 3 submitters: Uncertain significance (3). Last evaluated 2024-05-26.

Conditions:
Hereditary breast ovarian cancer syndrome. Also called: Hereditary breast and ovarian cancer syndrome (HBOC); Hereditary breast and ovarian cancer syndrome; Breast and ovarian cancer; Hereditary breast and/or ovarian cancer syndrome; BRCA1- and BRCA2-Associated Hereditary Breast and Ovarian Cancer; Hereditary breast and ovarian cancer. Identifiers: Orphanet 145, MedGen C0677776, MeSH D061325, MONDO:0003582. Disease mechanism: loss of function.
Hereditary cancer-predisposing syndrome. Also called: Hereditary Cancer Syndrome; Neoplastic Syndromes, Hereditary; Hereditary neoplastic syndrome; Tumor predisposition. Identifiers: Orphanet 140162, MedGen C0027672, MeSH D009386, MONDO:0015356.
Breast-ovarian cancer, familial, susceptibility to, 2 (BROVCA2). Also called: BRCA2 Hereditary Breast and Ovarian Cancer. Identifiers: Orphanet 145, MedGen C2675520, MONDO:0012933, OMIM 612555. Disease mechanism: loss of function.

Submissions (3):

Labcorp Genetics (formerly Invitae), Labcorp
Classification: Uncertain significance for Hereditary breast ovarian cancer syndrome. Last evaluated: 2024-05-26. Review status: criteria provided, single submitter. Criteria: Invitae Variant Classification Sherloc (09022015). Collection method: clinical testing. Allele origin: germline.
Comment: This variant, c.3168_3170del, results in the deletion of 1 amino acid(s) of the BRCA2 protein (p.Lys1058del), but otherwise preserves the integrity of the reading frame. This variant is present in population databases (rs756083696, gnomAD 0.007%). This variant has not been reported in the literature in individuals affected with BRCA2-related conditions. ClinVar contains an entry for this variant (Variation ID: 823035). Experimental studies and prediction algorithms are not available or were not evaluated, and the functional significance of this variant is currently unknown. In summary, the available evidence is currently insufficient to determine the role of this variant in disease. Therefore, it has been classified as a Variant of Uncertain Significance.

Ambry Genetics
Classification: Uncertain significance for Hereditary cancer-predisposing syndrome. Last evaluated: 2024-01-16. Review status: criteria provided, single submitter. Criteria: Ambry Variant Classification Scheme 2023. Collection method: clinical testing. Allele origin: germline.
Comment: The c.3168_3170delAAA variant (also known as p.K1058del) is located in coding exon 10 of the BRCA2 gene. This variant results from an in-frame AAA deletion at nucleotide positions 3168 to 3170. This results in the in-frame deletion of a lysine at codon 1058. This amino acid position is well conserved in available vertebrate species. In addition, this alteration is predicted to be deleterious by in silico analysis (Choi Y et al. PLoS ONE. 2012; 7(10):e46688). Since supporting evidence is limited at this time, the clinical significance of this alteration remains unclear.

All of Us Research Program, National Institutes of Health
Classification: Uncertain significance for Breast-ovarian cancer, familial, susceptibility to, 2. Last evaluated: 2023-06-26. Review status: criteria provided, single submitter. Criteria: ACMG Guidelines, 2015. Collection method: clinical testing. Allele origin: germline. Inheritance: Autosomal dominant inheritance. Observed: 1 variant allele, 1 heterozygote.
Comment: This variant causes an in-frame deletion of one amino acid in the BRCA2 protein. To our knowledge, functional studies have not been reported for this variant. This variant has not been reported in individuals affected with BRCA2-related disorders in the literature. This variant has been identified in 1/246888 chromosomes in the general population by the Genome Aggregation Database (gnomAD). The available evidence is insufficient to determine the role of this variant in disease conclusively. Therefore, this variant is classified as a Variant of Uncertain Significance.

This study involves interpretation of variants in research participants for the purpose of population health screening. Participant phenotype was not available at the time of variant classification. Additional details can be found in publication PMID: 35346344, PMCID: PMC8962531